The following is an entry in ClinVar:

ClinVar aggregate classification (germline): Uncertain significance (1 of 4 stars; one submission).

Conditions:
Gorlin syndrome. Also called: Nevoid Basal Cell Carcinoma Syndrome; Basal cell nevus syndrome. Identifiers: Orphanet 377, MedGen C0004779, MONDO:0007187.

Submission:

Labcorp Genetics (formerly Invitae), Labcorp
Classification: Uncertain significance for Gorlin syndrome. Last evaluated: 2018-09-20. Review status: criteria provided, single submitter. Criteria: Invitae Variant Classification Sherloc (09022015). Collection method: clinical testing. Allele origin: germline.
Comment: This sequence change replaces glycine with arginine at codon 1189 of the PTCH1 protein (p.Gly1189Arg). The glycine residue is moderately conserved and there is a moderate physicochemical difference between glycine and arginine. This variant is not present in population databases (ExAC no frequency). This variant has not been reported in the literature in individuals with PTCH1-related disease. Algorithms developed to predict the effect of missense changes on protein structure and function (SIFT, PolyPhen-2, Align-GVGD) all suggest that this variant is likely to be tolerated, but these predictions have not been confirmed by published functional studies and their clinical significance is uncertain. In summary, the available evidence is currently insufficient to determine the role of this variant in disease. Therefore, it has been classified as a Variant of Uncertain Significance.

NM_000264.5(PTCH1):c.3565G>C (p.Gly1189Arg)

Gene: PTCH1 (patched 1; minus strand). Cytogenetic location: 9q22.32.
Variant type: single nucleotide variant.
Coding change: c.3565G>C on transcript NM_000264.5 (MANE Select); coding-DNA position 3565, G replaced by C.
Protein change: p.Gly1189Arg; replaces glycine 1189 with arginine.
Molecular consequence: missense variant. On other transcripts: non-coding transcript variant (1).
Genome position (GRCh38, 1-based): chr9:95,449,308, C>G on the plus strand (G>C on the coding strand, the complement: PTCH1 is on the minus strand). VCF-style: chr9-95449308-C-G. GRCh37 (hg19) VCF-style: chr9-98211590-C-G.
Other names: c.3367G>C, p.Gly1123Arg (NM_001083602.3); c.3562G>C, p.Gly1188Arg (NM_001083603.3); c.3112G>C, p.Gly1038Arg (NM_001083604.3, NM_001083605.3, NM_001083606.3 and 1 more transcripts); c.3409G>C, p.Gly1137Arg (NM_001354918.2); short protein forms G1188R, G1038R, G1123R, G1137R, G1189R.
Identifiers: ClinVar variation 654501 (VCV000654501.9), dbSNP rs767535853, ClinGen allele CA374111387.